The following is an entry in ClinVar:

NM_000435.3(NOTCH3):c.5901G>A (p.Met1967Ile)

Gene: NOTCH3 (notch receptor 3; minus strand). Cytogenetic location: 19p13.12.
Variant type: single nucleotide variant.
Coding change: c.5901G>A on transcript NM_000435.3 (MANE Select); coding-DNA position 5901, G replaced by A.
Protein change: p.Met1967Ile; replaces methionine 1967 with isoleucine.
Molecular consequence: missense variant.
Genome position (GRCh38, 1-based): chr19:15,162,477, C>T on the plus strand (G>A on the coding strand, the complement: NOTCH3 is on the minus strand). VCF-style: chr19-15162477-C-T. GRCh37 (hg19) VCF-style: chr19-15273288-C-T.
Other names: short protein forms M1967I.
Identifiers: ClinVar variation 1330795 (VCV001330795.10), dbSNP rs373866355, ClinGen allele CA9262502.
Genomic context (GRCh38, chr19:15,162,477, plus strand): 5'-GGCACTGTGCCACTGCTGACACCCAGTGGACCAAGGGCTGGGGCTCACCTTGCTATCCTG[C>T]ATGTCCTTATTGGCTCCATTTTTGAGCAGGGCCAAAGTGGCTTCCACGTTGTTCACAGCC-3'
Protein context (NP_000426.2, residues 1957-1977): ALLKNGANKD[Met1967Ile]QDSKEETPLF

ClinVar aggregate classification (germline): Uncertain significance. Review status: criteria provided, multiple submitters, no conflicts (2 of 4 stars). 3 submissions from 3 submitters: Uncertain significance (3). Last evaluated 2023-10-05.

Conditions:
Inborn genetic diseases. Identifiers: MedGen C0950123, MeSH D030342.

Submissions (3):

Athena Diagnostics
Classification: Uncertain significance. Last evaluated: 2023-10-05. Review status: criteria provided, single submitter. Criteria: Athena Diagnostics Criteria. Collection method: clinical testing. Allele origin: unknown.
Comment: Available data are insufficient to determine the clinical significance of the variant at this time. The frequency of this variant in the general population is uninformative in assessment of its pathogenicity. Computational tools disagree on the variant's effect on normal protein function. Greater than 90% of NOTCH3 pathogenic variants associated with CADASIL involve the gain or loss of a cysteine residue within the epidermal growth factor (EGF)-like repeat domain (PMID: 32457593, 20301673).

Ambry Genetics
Classification: Uncertain significance for Inborn genetic diseases. Last evaluated: 2023-05-31. Review status: criteria provided, single submitter. Criteria: Ambry Variant Classification Scheme 2023. Collection method: clinical testing. Allele origin: germline.

ARUP Laboratories, Molecular Genetics and Genomics, ARUP Laboratories
Classification: Uncertain significance. Last evaluated: 2020-10-23. Review status: criteria provided, single submitter. Criteria: ARUP Molecular Germline Variant Investigation Process 2021. Collection method: clinical testing. Allele origin: germline.
Comment: The NOTCH3 c.5901G>A; p.Met1967Ile variant (rs373866355), to our knowledge, is not reported in the medical literature or gene specific databases. This variant is only observed on one allele in the Genome Aggregation Database, indicating it is not a common polymorphism. The methionine at codon 1967 is highly conserved, and computational analyses are uncertain whether this variant is neutral or deleterious (REVEL: 0.296). Most pathogenic NOTCH3 variants occur in exons 2-24 and either create or destroy a cysteine residue within an EGF-like domain (Rutten 2014). However, there are several amino acid substitutions not involving cysteine that may be disease-associated (Muino 2017). Although the p.Met1967Ile variant does not occur within this critical region or involve a cysteine residue, due to its low population frequency and lack of clinical information, its clinical significance is uncertain. References: Muino E et al. Systematic Review of Cysteine-Sparing NOTCH3 Missense Mutations in Patients with Clinical Suspicion of CADASIL. Int J Mol Sci. 2017 Sep 13;18(9). pii: E1964. Rutten JW et al. Interpretation of NOTCH3 mutations in the diagnosis of CADASIL. Expert Rev Mol Diagn. 2014 Jun;14(5):593-603.